The following is an entry in ClinVar:

ClinVar aggregate classification (germline): Uncertain significance. Review status: criteria provided, multiple submitters, no conflicts (2 of 4 stars). 2 submissions from 2 submitters: Uncertain significance (2). Last evaluated 2022-03-10.

Allele frequency attached by ClinVar (database versions not stated): gnomAD exomes below 0.00001.
gnomAD v4.1: 1 of 1,613,346 alleles (0.000062%); highest among the groups gnomAD compares: Non-Finnish European, 0.000085%; no homozygotes.

Submissions (2):

Labcorp Genetics (formerly Invitae), Labcorp
Classification: Uncertain significance. Last evaluated: 2022-03-10. Review status: criteria provided, single submitter. Criteria: Invitae Variant Classification Sherloc (09022015). Collection method: clinical testing. Allele origin: germline.
Comment: This sequence change affects codon 210 of the PROM1 mRNA. It is a 'silent' change, meaning that it does not change the encoded amino acid sequence of the PROM1 protein. This variant also falls at the last nucleotide of exon 5, which is part of the consensus splice site for this exon. This variant is not present in population databases (gnomAD no frequency). In summary, the available evidence is currently insufficient to determine the role of this variant in disease. Therefore, it has been classified as a Variant of Uncertain Significance. Variants that disrupt the consensus splice site are a relatively common cause of aberrant splicing (PMID: 17576681, 9536098). Algorithms developed to predict the effect of sequence changes on RNA splicing suggest that this variant may disrupt the consensus splice site. This variant has not been reported in the literature in individuals affected with PROM1-related conditions.

Blueprint Genetics
Classification: Uncertain significance. Last evaluated: 2020-12-03. Review status: criteria provided, single submitter. Criteria: ACMG Guidelines, 2015. Collection method: clinical testing. Allele origin: germline.

Literature cited by the submitters: PubMed 17576681 (cited by Labcorp Genetics (formerly Invitae), Labcorp); PubMed 9536098 (cited by Labcorp Genetics (formerly Invitae), Labcorp).

NM_006017.3(PROM1):c.630G>A (p.Glu210=)

Gene: PROM1 (prominin 1; minus strand). Cytogenetic location: 4p15.32.
Variant type: single nucleotide variant.
Coding change: c.630G>A on transcript NM_006017.3 (MANE Select); coding-DNA position 630, G replaced by A.
Protein change: p.Glu210=; no amino-acid change (glutamic acid 210 retained).
Molecular consequence: synonymous variant.
Genome position (GRCh38, 1-based): chr4:16,025,192, C>T on the plus strand (G>A on the coding strand, the complement: PROM1 is on the minus strand). VCF-style: chr4-16025192-C-T. GRCh37 (hg19) VCF-style: chr4-16026815-C-T.
Other names: c.603G>A, p.Glu201= (NM_001145847.2, NM_001145848.2, NM_001145851.2 and 4 more transcripts); c.630G>A, p.Glu210= (NM_001145849.2, NM_001145850.2).
Identifiers: ClinVar variation 1952088 (VCV001952088.6), dbSNP rs2530614432, ClinGen allele CA438383239.